The following is an entry in ClinVar:

ClinVar aggregate classification (germline): Uncertain significance (1 of 4 stars; one submission).

Allele frequency attached by ClinVar (database versions not stated): gnomAD exomes below 0.00001; TOPMed below 0.00001; gnomAD 0.00003.
gnomAD v4.1: 9 of 1,551,486 alleles (0.00058%); highest among the groups gnomAD compares: African/African-American, 0.0068%; no homozygotes.

Submission:

Labcorp Genetics (formerly Invitae), Labcorp
Classification: Uncertain significance. Last evaluated: 2022-09-23. Review status: criteria provided, single submitter. Criteria: Invitae Variant Classification Sherloc (09022015). Collection method: clinical testing. Allele origin: germline.
Comment: In summary, the available evidence is currently insufficient to determine the role of this variant in disease. Therefore, it has been classified as a Variant of Uncertain Significance. Experimental studies and prediction algorithms are not available or were not evaluated, and the functional significance of this variant is currently unknown. This variant has not been reported in the literature in individuals affected with FOXI3-related conditions. This variant is present in population databases (no rsID available, gnomAD 0.02%). This sequence change replaces glycine, which is neutral and non-polar, with glutamic acid, which is acidic and polar, at codon 393 of the FOXI3 protein (p.Gly393Glu).

NM_001135649.3(FOXI3):c.1178G>A (p.Gly393Glu)

Gene: FOXI3 (forkhead box I3; minus strand). Cytogenetic location: 2p11.2.
Variant type: single nucleotide variant.
Coding change: c.1178G>A on transcript NM_001135649.3 (MANE Select); coding-DNA position 1178, G replaced by A.
Protein change: p.Gly393Glu; replaces glycine 393 with glutamic acid.
Molecular consequence: missense variant.
Genome position (GRCh38, 1-based): chr2:88,448,292, C>T on the plus strand (G>A on the coding strand, the complement: FOXI3 is on the minus strand). VCF-style: chr2-88448292-C-T. GRCh37 (hg19) VCF-style: chr2-88747811-C-T.
Other names: short protein forms G393E.
Identifiers: ClinVar variation 2176574 (VCV002176574.4), dbSNP rs1255080373, ClinGen allele CA347764164.